The following is an entry in ClinVar:

ClinVar aggregate classification (germline): Likely benign (1 of 4 stars; one submission).

Allele frequency attached by ClinVar (database versions not stated): gnomAD exomes 0.00001.
gnomAD v4.1: 4 of 1,591,366 alleles (0.00025%); highest among the groups gnomAD compares: Non-Finnish European, 0.00034%; no homozygotes.

Submission:

GeneDx
Classification: Likely benign. Last evaluated: 2018-04-30. Review status: criteria provided, single submitter. Criteria: GeneDx Variant Classification (06012015). Collection method: clinical testing. Allele origin: germline. Affected: yes.
Comment: This variant is considered likely benign or benign based on one or more of the following criteria: it is a conservative change, it occurs at a poorly conserved position in the protein, it is predicted to be benign by multiple in silico algorithms, and/or has population frequency not consistent with disease.

NM_001378609.3(OTOGL):c.4788T>C (p.Ser1596=)

Gene: OTOGL (otogelin like; plus strand). Cytogenetic location: 12q21.31.
Variant type: single nucleotide variant.
Coding change: c.4788T>C on transcript NM_001378609.3 (MANE Select); coding-DNA position 4788, T replaced by C.
Protein change: p.Ser1596=; no amino-acid change (serine 1596 retained).
Molecular consequence: synonymous variant.
Genome position (GRCh38, 1-based): chr12:80,336,932, T>C. VCF-style: chr12-80336932-T-C. GRCh37 (hg19) VCF-style: chr12-80730712-T-C.
Other names: c.4653T>C, p.Ser1551= (NM_001368062.3); c.4788T>C, p.Ser1596= (NM_001378610.3, NM_173591.7).
Identifiers: ClinVar variation 682291 (VCV000682291.1), dbSNP rs1341014439, ClinGen allele CA480815268.